The following is an entry in ClinVar:

ClinVar aggregate classification (germline): Uncertain significance. Review status: criteria provided, multiple submitters, no conflicts (2 of 4 stars). 2 submissions from 2 submitters: Uncertain significance (2). Last evaluated 2022-12-28.

Allele frequency attached by ClinVar (database versions not stated): gnomAD 0.00001; gnomAD exomes 0.00001; ExAC 0.00002; ESP Exome Variant Server 0.00008.
gnomAD v4.1: 21 of 1,581,796 alleles (0.0013%); highest among the groups gnomAD compares: Admixed American, 0.01%; no homozygotes.

Submissions (2):

Ambry Genetics
Classification: Uncertain significance. Last evaluated: 2022-12-28. Review status: criteria provided, single submitter. Criteria: Ambry Variant Classification Scheme 2023. Collection method: clinical testing. Allele origin: germline.

Labcorp Genetics (formerly Invitae), Labcorp
Classification: Uncertain significance. Last evaluated: 2022-07-25. Review status: criteria provided, single submitter. Criteria: Invitae Variant Classification Sherloc (09022015). Collection method: clinical testing. Allele origin: germline.
Comment: In summary, the available evidence is currently insufficient to determine the role of this variant in disease. Therefore, it has been classified as a Variant of Uncertain Significance. Algorithms developed to predict the effect of missense changes on protein structure and function are either unavailable or do not agree on the potential impact of this missense change (SIFT: "Not Available"; PolyPhen-2: "Benign"; Align-GVGD: "Not Available"). This variant has not been reported in the literature in individuals affected with PNLIP-related conditions. This variant is present in population databases (rs377432333, gnomAD 0.009%). This sequence change replaces asparagine, which is neutral and polar, with serine, which is neutral and polar, at codon 382 of the PNLIP protein (p.Asn382Ser).

NM_000936.4(PNLIP):c.1145A>G (p.Asn382Ser)

Gene: PNLIP (pancreatic lipase; plus strand). Cytogenetic location: 10q25.3.
Variant type: single nucleotide variant.
Coding change: c.1145A>G on transcript NM_000936.4 (MANE Select); coding-DNA position 1145, A replaced by G.
Protein change: p.Asn382Ser; replaces asparagine 382 with serine.
Molecular consequence: missense variant.
Genome position (GRCh38, 1-based): chr10:116,560,500, A>G. VCF-style: chr10-116560500-A-G. GRCh37 (hg19) VCF-style: chr10-118320012-A-G.
Other names: short protein forms N382S.
Identifiers: ClinVar variation 2111142 (VCV002111142.3), dbSNP rs377432333, ClinGen allele CA5706698.
Genomic context (GRCh38, chr10:116,560,500, plus strand): 5'-CACTGTCTGGAAAAAAGGTTACAGGACACATACTAGTTTCTTTGTTCGGAAATAAAGGAA[A>G]CTCTAAGCAGTATGAAATTTTCAAGTGAGTAAAATAATATTGCTCTATGCTTTTTTTTTT-3'
Protein context (NP_000927.1, residues 372-392): ILVSLFGNKG[Asn382Ser]SKQYEIFKGT